The following is an entry in ClinVar:

ClinVar aggregate classification (germline): Conflicting classifications of pathogenicity. Review status: criteria provided, conflicting classifications (1 of 4 stars). 5 submissions from 5 submitters: Uncertain significance (3); Likely benign (1). 1 of the submissions does not count toward it. Last evaluated 2026-01-06.

Conditions:
PHKA1-related disorder. Also called: PHKA1-related condition.
Glycogen storage disease IXd (GSD9D). Also called: Muscle Phosphorylase Kinase Deficiency; GSD IXd. Identifiers: Orphanet 715, MedGen C1845151, MONDO:0010362, OMIM 300559.

Allele frequency attached by ClinVar (database versions not stated): gnomAD exomes 0.00015 and 0.00018; ExAC 0.00020; 1000 Genomes Project 30x 0.00021; gnomAD 0.00025 and 0.00035; 1000 Genomes Project 0.00026; TOPMed 0.00032; ESP Exome Variant Server 0.00057.
gnomAD v4.1: 224 of 1,195,708 alleles (0.019%); highest among the groups gnomAD compares: Non-Finnish European, 0.022%; no homozygotes.

Submissions (5):

Labcorp Genetics (formerly Invitae), Labcorp
Classification: Uncertain significance for Glycogen storage disease IXd. Last evaluated: 2026-01-06. Review status: criteria provided, single submitter. Criteria: Invitae Variant Classification Sherloc (09022015). Collection method: clinical testing. Allele origin: germline.
Comment: This sequence change replaces arginine, which is basic and polar, with tryptophan, which is neutral and slightly polar, at codon 727 of the PHKA1 protein (p.Arg727Trp). This variant is present in population databases (rs151279562, gnomAD 0.03%), and has an allele count higher than expected for a pathogenic variant. This variant has not been reported in the literature in individuals affected with PHKA1-related conditions. ClinVar contains an entry for this variant (Variation ID: 384382). Invitae Evidence Modeling of protein sequence and biophysical properties (such as structural, functional, and spatial information, amino acid conservation, physicochemical variation, residue mobility, and thermodynamic stability) indicates that this missense variant is not expected to disrupt PHKA1 protein function with a negative predictive value of 80%. In summary, the available evidence is currently insufficient to determine the role of this variant in disease. Therefore, it has been classified as a Variant of Uncertain Significance.

MGZ Medical Genetics Center
Classification: Uncertain significance for Glycogen storage disease IXd. Last evaluated: 2021-10-12. Review status: criteria provided, single submitter. Criteria: ACMG Guidelines, 2015. Collection method: clinical testing. Allele origin: germline. Affected: yes. Observed: 1 variant allele.
Comment: ACMG criteria applied: PM2_SUP, PP3

Illumina Laboratory Services, Illumina
Classification: Likely benign for Glycogen storage disease IXd. Last evaluated: 2018-01-13. Review status: criteria provided, single submitter. Criteria: ICSL Variant Classification Criteria 13 December 2019. Collection method: clinical testing. Allele origin: germline.
Comment: This variant was observed in the ICSL laboratory as part of a predisposition screen in an ostensibly healthy population. It had not been previously curated by ICSL or reported in the Human Gene Mutation Database (HGMD: prior to June 1st, 2018), and was therefore a candidate for classification through an automated scoring system. Utilizing variant allele frequency, disease prevalence and penetrance estimates, and inheritance mode, an automated score was calculated to assess if this variant is too frequent to cause the disease. Based on the score and internal cut-off values, a variant classified as likely benign is not then subjected to further curation. The score for this variant resulted in a classification of likely benign for this disease.

GeneDx
Classification: Uncertain significance. Last evaluated: 2017-09-18. Review status: criteria provided, single submitter. Criteria: GeneDx Variant Classification (06012015). Collection method: clinical testing. Allele origin: germline. Affected: yes.
Comment: The R727W variant has not been published as a pathogenic variant, nor has it been reported as a benign variant to our knowledge. The R727W variant is observed in 26/89,529 (0.03%) alleles from individuals of European background, and in the hemizygous state in 8 unaffected males undergoing testing at GeneDx (Lek et al., 2016). This variant is a non-conservative amino acid substitution, which is likely to impact secondary protein structure as these residues differ in polarity, charge, size and/or other properties. In silico analysis predicts this variant is probably damaging to the protein structure/function. However, this substitution occurs at a position that is not conserved.

PreventionGenetics, part of Exact Sciences
Classification: Likely benign for PHKA1-related condition. Last evaluated: 2023-08-05. Review status: no assertion criteria provided. Collection method: clinical testing. Allele origin: germline. Not counted in ClinVar's aggregate classification.
Comment: This variant is classified as likely benign based on ACMG/AMP sequence variant interpretation guidelines (Richards et al. 2015 PMID: 25741868, with internal and published modifications).

NM_002637.4(PHKA1):c.2179C>T (p.Arg727Trp)

Gene: PHKA1 (phosphorylase kinase regulatory subunit alpha 1; minus strand). Cytogenetic location: Xq13.1.
Variant type: single nucleotide variant.
Coding change: c.2179C>T on transcript NM_002637.4 (MANE Select); coding-DNA position 2179, C replaced by T.
Protein change: p.Arg727Trp; replaces arginine 727 with tryptophan.
Molecular consequence: missense variant.
Genome position (GRCh38, 1-based): chrX:72,619,264, G>A on the plus strand (C>T on the coding strand, the complement: PHKA1 is on the minus strand). VCF-style: chrX-72619264-G-A. GRCh37 (hg19) VCF-style: chrX-71839114-G-A.
Other names: c.2179C>T, p.Arg727Trp (NM_001122670.2); c.2002C>T, p.Arg668Trp (NM_001172436.2); short protein forms R727W, R668W.
Identifiers: ClinVar variation 384382 (VCV000384382.19), dbSNP rs151279562, ClinGen allele CA10450743.